The following is an entry in ClinVar:

NM_025137.4(SPG11):c.6754+5G>A

Gene: SPG11 (SPG11 vesicle trafficking associated, spatacsin; minus strand). Cytogenetic location: 15q21.1.
Variant type: single nucleotide variant.
Coding change: c.6754+5G>A on transcript NM_025137.4 (MANE Select); 5 bases into the intron after coding-DNA position 6754, G replaced by A.
Molecular consequence: intron variant.
Genome position (GRCh38, 1-based): chr15:44,567,419, C>T on the plus strand (G>A on the coding strand, the complement: SPG11 is on the minus strand). VCF-style: chr15-44567419-C-T. GRCh37 (hg19) VCF-style: chr15-44859617-C-T.
Other names: c.6610+5G>A (NM_001411132.1); c.6415+5G>A (NM_001160227.2).
Identifiers: ClinVar variation 2505996 (VCV002505996.2), dbSNP rs2505185703, ClinGen allele CA2575708278.
Genomic context (GRCh38, chr15:44,567,419, plus strand): 5'-AAAAAAAAAGGAATTTTACCTAGCTAGCAGCACTGTTCTGGTAGTGTGGCTGTGACCTCA[C>T]TCACCCCAGGGCTGAGACTCAATCAATTTCAGTTGGATGCGGGCAGCTGCCTCGTGGTTC-3'

ClinVar aggregate classification (germline): Likely pathogenic (1 of 4 stars; one submission).

gnomAD v4.1: 1 of 1,611,146 alleles (0.000062%); no homozygotes.

Submission:

GeneDx
Classification: Likely pathogenic. Last evaluated: 2025-09-30. Review status: criteria provided, single submitter. Criteria: GeneDx Variant Classification Process June 2021. Collection method: clinical testing. Allele origin: germline. Affected: yes.
Comment: Intronic variant directly or indirectly altering the +5 splice site in a gene for which loss of function is a known mechanism of disease, and splice predictors support a deleterious effect; Not observed at significant frequency in large population cohorts (gnomAD); This variant is associated with the following publications: (PMID: 29691679)